The following is an entry in ClinVar:

NM_172107.4(KCNQ2):c.920T>C (p.Leu307Pro)

Gene: KCNQ2 (potassium voltage-gated channel subfamily Q member 2; minus strand). Cytogenetic location: 20q13.33.
Variant type: single nucleotide variant.
Coding change: c.920T>C on transcript NM_172107.4 (MANE Select); coding-DNA position 920, T replaced by C.
Protein change: p.Leu307Pro; replaces leucine 307 with proline.
Molecular consequence: missense variant.
Genome position (GRCh38, 1-based): chr20:63,439,605, A>G on the plus strand (T>C on the coding strand, the complement: KCNQ2 is on the minus strand). VCF-style: chr20-63439605-A-G. GRCh37 (hg19) VCF-style: chr20-62070958-A-G.
Other names: c.920T>C, p.Leu307Pro (NM_001382235.1, NM_004518.6, NM_172106.3 and 2 more transcripts); short protein forms L307P.
Identifiers: ClinVar variation 2584409 (VCV002584409.4), dbSNP rs2516418487, ClinGen allele CA409652452.

ClinVar aggregate classification (germline): Pathogenic/Likely pathogenic. Review status: criteria provided, multiple submitters, no conflicts (2 of 4 stars). 2 submissions from 2 submitters: Pathogenic (1); Likely pathogenic (1). Last evaluated 2023-07-07.

Conditions:
Early-infantile DEE. Also called: Early infantile epileptic encephalopathy; Ohtahara syndrome; Early infantile epileptic encephalopathy with suppression bursts. Identifiers: Orphanet 1934, MedGen C0393706, MONDO:0800491.
KCNQ2-Related Disorders. Also called: KCNQ2-related disorder; KCNQ2-related condition. Identifiers: MedGen CN169299.

Submissions (2):

Labcorp Genetics (formerly Invitae), Labcorp
Classification: Pathogenic for Early-infantile DEE. Last evaluated: 2023-07-07. Review status: criteria provided, single submitter. Criteria: Invitae Variant Classification Sherloc (09022015). Collection method: clinical testing. Allele origin: germline.
Comment: For these reasons, this variant has been classified as Pathogenic. Advanced modeling of protein sequence and biophysical properties (such as structural, functional, and spatial information, amino acid conservation, physicochemical variation, residue mobility, and thermodynamic stability) performed at Invitae indicates that this missense variant is expected to disrupt KCNQ2 protein function. This missense change has been observed in individual(s) with developmental and epileptic encephalopathy (PMID: 33897753). In at least one individual the variant was observed to be de novo. This variant is not present in population databases (gnomAD no frequency). This sequence change replaces leucine, which is neutral and non-polar, with proline, which is neutral and non-polar, at codon 307 of the KCNQ2 protein (p.Leu307Pro).

Rady Children's Institute for Genomic Medicine, Rady Children's Hospital San Diego
Classification: Likely pathogenic for KCNQ2-Related Disorders. Review status: criteria provided, single submitter. Criteria: ACMG Guidelines, 2015. Collection method: clinical testing. Allele origin: germline. Affected: yes.
Comment: This variant has not been previously reported or functionally characterized in the literature to our knowledge. The c.920T>C (p.Leu307Pro) variant is located in a mutational hotspot for missense pathogenic variations associated with Developmental and Epileptic Encephalopathy 7 (KCNQ2-NEE, MIM: #613720) (PMID: 9836639; 20437616). It is absent from the gnomAD population database and thus is presumed to be rare. The c.920T>C (p.Leu307Pro) variant affects a highly conserved amino acid and is predicted by multiple in silico tools to have a deleterious effect on protein function. Analysis of the parental samples was negative for the variant, indicating this variant likely occurred as a de novo event. Based on the available evidence, the c.920T>C (p.Leu307Pro) variant is classified as Likely Pathogenic.

Literature cited by the submitters: PubMed 33897753 (cited by Labcorp Genetics (formerly Invitae), Labcorp).